The following is an entry in ClinVar:

NM_004655.4(AXIN2):c.59A>G (p.Asp20Gly)

Gene: AXIN2 (axin 2; minus strand). Cytogenetic location: 17q24.1.
Variant type: single nucleotide variant.
Coding change: c.59A>G on transcript NM_004655.4 (MANE Select); coding-DNA position 59, A replaced by G.
Protein change: p.Asp20Gly; replaces aspartic acid 20 with glycine.
Molecular consequence: missense variant.
Genome position (GRCh38, 1-based): chr17:65,558,562, T>C on the plus strand (A>G on the coding strand, the complement: AXIN2 is on the minus strand). VCF-style: chr17-65558562-T-C. GRCh37 (hg19) VCF-style: chr17-63554680-T-C.
Other names: c.59A>G, p.Asp20Gly (NM_001363813.1); short protein forms D20G.
Identifiers: ClinVar variation 2834932 (VCV002834932.3), dbSNP rs2144591817, ClinGen allele CA400682324.

ClinVar aggregate classification (germline): Uncertain significance (1 of 4 stars; one submission).

Conditions:
Oligodontia-cancer predisposition syndrome. Also called: TOOTH AGENESIS-COLORECTAL CANCER SYNDROME. Identifiers: Orphanet 300576, MedGen C1837750, MONDO:0012075, OMIM 608615. Disease mechanism: loss of function.

Submission:

Labcorp Genetics (formerly Invitae), Labcorp
Classification: Uncertain significance for Oligodontia-cancer predisposition syndrome. Last evaluated: 2023-02-06. Review status: criteria provided, single submitter. Criteria: Invitae Variant Classification Sherloc (09022015). Collection method: clinical testing. Allele origin: germline.
Comment: This sequence change replaces aspartic acid, which is acidic and polar, with glycine, which is neutral and non-polar, at codon 20 of the AXIN2 protein (p.Asp20Gly). This variant is not present in population databases (gnomAD no frequency). This variant has not been reported in the literature in individuals affected with AXIN2-related conditions. Advanced modeling of protein sequence and biophysical properties (such as structural, functional, and spatial information, amino acid conservation, physicochemical variation, residue mobility, and thermodynamic stability) performed at Invitae indicates that this missense variant is expected to disrupt AXIN2 protein function. In summary, the available evidence is currently insufficient to determine the role of this variant in disease. Therefore, it has been classified as a Variant of Uncertain Significance.